The following is an entry in ClinVar:

NM_004629.2(FANCG):c.1844C>G (p.Ser615Cys)

Gene: FANCG (FA complementation group G; minus strand). Cytogenetic location: 9p13.3.
Variant type: single nucleotide variant.
Coding change: c.1844C>G on transcript NM_004629.2 (MANE Select); coding-DNA position 1844, C replaced by G.
Protein change: p.Ser615Cys; replaces serine 615 with cysteine.
Molecular consequence: missense variant.
Genome position (GRCh38, 1-based): chr9:35,074,133, G>C on the plus strand (C>G on the coding strand, the complement: FANCG is on the minus strand). VCF-style: chr9-35074133-G-C. GRCh37 (hg19) VCF-style: chr9-35074130-G-C.
Other names: short protein forms S615C.
Identifiers: ClinVar variation 3848417 (VCV003848417.1).

ClinVar aggregate classification (germline): Uncertain significance (1 of 4 stars; one submission).

Conditions:
Inborn genetic diseases. Identifiers: MedGen C0950123, MeSH D030342.

Submission:

Ambry Genetics
Classification: Uncertain significance for Inborn genetic diseases. Last evaluated: 2025-01-24. Review status: criteria provided, single submitter. Criteria: Ambry Variant Classification Scheme 2023. Collection method: clinical testing. Allele origin: germline.
Comment: The p.S615C variant (also known as c.1844C>G), located in coding exon 14 of the FANCG gene, results from a C to G substitution at nucleotide position 1844. The serine at codon 615 is replaced by cysteine, an amino acid with dissimilar properties. This amino acid position is conserved. In addition, this alteration is predicted to be tolerated by in silico analysis. Based on the available evidence, the clinical significance of this variant remains unclear.